The following is an entry in ClinVar:

ClinVar aggregate classification (germline): Uncertain significance. Review status: criteria provided, multiple submitters, no conflicts (2 of 4 stars). 2 submissions from 2 submitters: Uncertain significance (2). Last evaluated 2026-01-09.

Conditions:
Early-infantile DEE. Also called: Early infantile epileptic encephalopathy; Ohtahara syndrome; Early infantile epileptic encephalopathy with suppression bursts. Identifiers: Orphanet 1934, MedGen C0393706, MONDO:0800491.

Submissions (2):

Labcorp Genetics (formerly Invitae), Labcorp
Classification: Uncertain significance for Early-infantile DEE. Last evaluated: 2026-01-09. Review status: criteria provided, single submitter. Criteria: Invitae Variant Classification Sherloc (09022015). Collection method: clinical testing. Allele origin: germline.
Comment: This variant, c.1787_1789del, results in the deletion of 1 amino acid(s) of the SCN1A protein (p.Ser596del), but otherwise preserves the integrity of the reading frame. This variant is present in population databases (rs796053061, gnomAD 0.02%). This variant has not been reported in the literature in individuals affected with SCN1A-related conditions. ClinVar contains an entry for this variant (Variation ID: 206899). Experimental studies and prediction algorithms are not available or were not evaluated, and the functional significance of this variant is currently unknown. In summary, the available evidence is currently insufficient to determine the role of this variant in disease. Therefore, it has been classified as a Variant of Uncertain Significance.

GeneDx
Classification: Uncertain significance. Last evaluated: 2014-03-18. Review status: criteria provided, single submitter. Criteria: GeneDx Variant Classification (06012015). Collection method: clinical testing. Allele origin: germline. Affected: yes.
Comment: c.1787_1789delGCA: p.Ser596del (S596del) in exon 11 of the SCN1A gene (NM_001165963.1). The normal sequence with the bases that are deleted in braces is: CACA{GCA}CCTT. The c.1787_1789delGCA variant in the SCN1A gene has not been published as a mutation, nor has it been reported as a benign polymorphism to our knowledge. This variant was not observed in approximately 6,500 individuals of European and African American ancestry in the NHLBI Exome Sequencing Project. It results in an in-frame deletion of a conserved amino acid (Serine 596) in the cytoplasmic loop between the first and second homologous repeat domains. Based on the currently available information, it is unclear whether c.1787_1789delGCA is a pathogenic mutation or a rare benign variant. The variant is found in CHILD-EPI panel(s).

NM_001165963.4(SCN1A):c.1787_1789del (p.Ser596del)

Gene: SCN1A (sodium voltage-gated channel alpha subunit 1; minus strand). Cytogenetic location: 2q24.3.
Variant type: Deletion.
Coding change: c.1787_1789del on transcript NM_001165963.4 (MANE Select); coding-DNA positions 1787 to 1789, 3 bases deleted (GCA; older notation c.1787_1789delGCA).
Protein change: p.Ser596del; deletes serine 596.
Molecular consequence: inframe deletion. On other transcripts: 5 prime UTR variant (1), non-coding transcript variant (1).
Genome position (GRCh38, 1-based): chr2:166,043,923-166,043,925, TGC deleted on the plus strand (GCA on the coding strand, the reverse complement: SCN1A is on the minus strand); deleting any 3 consecutive bases within chr2:166,043,923-166,043,927 gives the same sequence; the c. name uses the placement nearest the transcript's 3' end. VCF-style (leftmost placement, unchanged base first): chr2-166043922-GTGC-G. GRCh37 (hg19) VCF-style: chr2-166900432-GTGC-G.
Other names: c.1787_1789del, p.Ser596del (NM_001165964.3, NM_001202435.3, NM_001353948.2 and 7 more transcripts); c.1784_1786del, p.Ser595del (NM_001353954.2, NM_001353955.2, NM_001353960.2); c.-639_-637del (NM_001353961.2); short protein forms S596del, S595del.
Identifiers: ClinVar variation 206899 (VCV000206899.7), dbSNP rs796053061, ClinGen allele CA317705.